The following is an entry in ClinVar:

ClinVar aggregate classification (germline): Uncertain significance (1 of 4 stars; one submission).

Conditions:
Inflammatory bowel disease. Identifiers: Orphanet 104012, MedGen C0021390, MONDO:0005265.

Allele frequency attached by ClinVar (database versions not stated): gnomAD exomes 0.00001.
gnomAD v4.1: 12 of 1,614,180 alleles (0.00074%); highest among the groups gnomAD compares: Non-Finnish European, 0.00093%; no homozygotes.

Submission:

Labcorp Genetics (formerly Invitae), Labcorp
Classification: Uncertain significance for Inflammatory bowel disease. Last evaluated: 2019-03-28. Review status: criteria provided, single submitter. Criteria: Invitae Variant Classification Sherloc (09022015). Collection method: clinical testing. Allele origin: germline.
Comment: This variant has not been reported in the literature in individuals with IL10-related conditions. In summary, the available evidence is currently insufficient to determine the role of this variant in disease. Therefore, it has been classified as a Variant of Uncertain Significance. Algorithms developed to predict the effect of missense changes on protein structure and function output the following: SIFT: "Tolerated"; PolyPhen-2: "Benign"; Align-GVGD: "Class C0". The serine amino acid residue is found in multiple mammalian species, suggesting that this missense change does not adversely affect protein function. These predictions have not been confirmed by published functional studies and their clinical significance is uncertain. This variant is not present in population databases (ExAC no frequency). This sequence change replaces threonine with serine at codon 24 of the IL10 protein (p.Thr24Ser). The threonine residue is moderately conserved and there is a small physicochemical difference between threonine and serine.

NM_000572.3(IL10):c.71C>G (p.Thr24Ser)

Genes: IL10 (interleukin 10; minus strand), IL19 (interleukin 19; plus strand), LOC128462409 (CRISPRi-FlowFISH-validated IL10 regulatory element GRCh37_chr1:206945468-206946089; plus strand). Cytogenetic location: 1q32.1.
Variant type: single nucleotide variant.
Coding change: c.71C>G on transcript NM_000572.3 (MANE Select); coding-DNA position 71, C replaced by G.
Protein change: p.Thr24Ser; replaces threonine 24 with serine.
Molecular consequence: missense variant. On other transcripts: non-coding transcript variant (1), intron variant (2).
Genome position (GRCh38, 1-based): chr1:206,772,365, G>C on the plus strand (C>G on the coding strand, the complement: IL10 is on the minus strand). VCF-style: chr1-206772365-G-C. GRCh37 (hg19) VCF-style: chr1-206945710-G-C.
Other names: c.-149+1287G>C (NM_153758.5); c.-149+1535G>C (NM_001393490.1); short protein forms T24S.
Identifiers: ClinVar variation 946285 (VCV000946285.10), dbSNP rs1674877288, ClinGen allele CA344482645.